The following is an entry in ClinVar:

NM_002691.4(POLD1):c.2338G>T (p.Asp780Tyr)

Gene: POLD1 (DNA polymerase delta 1, catalytic subunit; plus strand). Cytogenetic location: 19q13.33.
Variant type: single nucleotide variant.
Coding change: c.2338G>T on transcript NM_002691.4 (MANE Select); coding-DNA position 2338, G replaced by T.
Protein change: p.Asp780Tyr; replaces aspartic acid 780 with tyrosine.
Molecular consequence: missense variant. On other transcripts: non-coding transcript variant (1).
Genome position (GRCh38, 1-based): chr19:50,413,829, G>T. VCF-style: chr19-50413829-G-T. GRCh37 (hg19) VCF-style: chr19-50917086-G-T.
Other names: c.2338G>T, p.Asp780Tyr (NM_001256849.1); c.2416G>T, p.Asp806Tyr (NM_001308632.1); short protein forms D780Y, D806Y.
Identifiers: ClinVar variation 421513 (VCV000421513.24), dbSNP rs1064795184, ClinGen allele CA16620896.

ClinVar aggregate classification (germline): Uncertain significance. Review status: criteria provided, multiple submitters, no conflicts (2 of 4 stars). 3 submissions from 3 submitters: Uncertain significance (3). Last evaluated 2025-06-16.

Conditions:
Hereditary cancer-predisposing syndrome. Also called: Neoplastic Syndromes, Hereditary; Hereditary neoplastic syndrome; Tumor predisposition; Hereditary Cancer Syndrome. Identifiers: Orphanet 140162, MedGen C0027672, MeSH D009386, MONDO:0015356.
POLD1-related polyposis and colorectal cancer syndrome (CRCS10). Also called: Colorectal cancer 10; COLORECTAL CANCER, SUSCEPTIBILITY TO, ON CHROMOSOME 19q; Colorectal cancer, susceptibility to, 10. Identifiers: Orphanet 220460, MedGen C2675481, MONDO:0012953, OMIM 612591.

Submissions (3):

Labcorp Genetics (formerly Invitae), Labcorp
Classification: Uncertain significance for POLD1-related polyposis and colorectal cancer syndrome. Last evaluated: 2025-06-16. Review status: criteria provided, single submitter. Criteria: Invitae Variant Classification Sherloc (09022015). Collection method: clinical testing. Allele origin: germline.
Comment: This sequence change replaces aspartic acid, which is acidic and polar, with tyrosine, which is neutral and polar, at codon 780 of the POLD1 protein (p.Asp780Tyr). This variant is not present in population databases (gnomAD no frequency). This variant has not been reported in the literature in individuals affected with POLD1-related conditions. ClinVar contains an entry for this variant (Variation ID: 421513). Invitae Evidence Modeling of protein sequence and biophysical properties (such as structural, functional, and spatial information, amino acid conservation, physicochemical variation, residue mobility, and thermodynamic stability) indicates that this missense variant is not expected to disrupt POLD1 protein function with a negative predictive value of 80%. In summary, the available evidence is currently insufficient to determine the role of this variant in disease. Therefore, it has been classified as a Variant of Uncertain Significance.

Ambry Genetics
Classification: Uncertain significance for Hereditary cancer-predisposing syndrome. Last evaluated: 2025-03-10. Review status: criteria provided, single submitter. Criteria: Ambry Variant Classification Scheme 2023. Collection method: clinical testing. Allele origin: germline.
Comment: The p.D780Y variant (also known as c.2338G>T), located in coding exon 18 of the POLD1 gene, results from a G to T substitution at nucleotide position 2338. The aspartic acid at codon 780 is replaced by tyrosine, an amino acid with highly dissimilar properties. This amino acid position is conserved. In addition, this alteration is predicted to be tolerated by in silico analysis. Based on the available evidence, the clinical significance of this variant remains unclear.

GeneDx
Classification: Uncertain significance. Last evaluated: 2016-06-23. Review status: criteria provided, single submitter. Criteria: GeneDx Variant Classification (06012015). Collection method: clinical testing. Allele origin: germline. Affected: yes.
Comment: This variant is denoted POLD1 c.2338G>T at the cDNA level, p.Asp780Tyr (D780Y) at the protein level, and results in the change of an Aspartic Acid to a Tyrosine (GAC>TAC). This variant has not, to our knowledge, been published in the literature as pathogenic or benign. POLD1 Asp780Tyr was not observed in approximately 6,500 individuals of European and African American ancestry in the NHLBI Exome Sequencing Project, suggesting it is not a common benign variant in these populations. Since Aspartic Acid and Tyrosine differ in polarity, charge, size or other properties, this is considered a non-conservative amino acid substitution. POLD1 Asp780Tyr occurs at a position that is not conserved and is located in this Polymerase domain (Preston 2010). In silico analyses predict that this variant is probably damaging to protein structure and function. Based on currently available evidence, it is unclear whether POLD1 Asp780Tyr is a pathogenic or benign variant. We consider it to be a variant of uncertain significance.